The following is an entry in ClinVar:

ClinVar aggregate classification (germline): Uncertain significance (1 of 4 stars; one submission).

Conditions:
Dilated cardiomyopathy 1G (CMD1G). Identifiers: Orphanet 154, MedGen C1858763, MONDO:0011400, OMIM 604145.
Autosomal recessive limb-girdle muscular dystrophy type 2J (LGMDR10). Also called: Limb-girdle muscular dystrophy, type 2J; MUSCULAR DYSTROPHY, LIMB-GIRDLE, AUTOSOMAL RECESSIVE 10. Identifiers: Orphanet 140922, MedGen C1837342, MONDO:0012127, OMIM 608807.

Submission:

Labcorp Genetics (formerly Invitae), Labcorp
Classification: Uncertain significance for Dilated cardiomyopathy 1G; Autosomal recessive limb-girdle muscular dystrophy type 2J. Last evaluated: 2020-03-24. Review status: criteria provided, single submitter. Criteria: Invitae Variant Classification Sherloc (09022015). Collection method: clinical testing. Allele origin: germline.
Comment: This variant has not been reported in the literature in individuals with TTN-related conditions. In summary, the available evidence is currently insufficient to determine the role of this variant in disease. Therefore, it has been classified as a Variant of Uncertain Significance. This variant is located in the Z and I band of TTN (PMID: 25589632). It is unclear how this variant impacts the function of this protein. This variant is a gross deletion of the genomic region encompassing exons 2-127 of the TTN gene, which includes the initiator codon. The 5' end of this event is unknown as it extends beyond the assayed region for this gene and therefore may encompass additional genes. The 3' boundary is likely confined to intron 127 of the TTN gene. While this is expected to result in an absent or truncated protein, alternate in-frame methionines downstream of the initiator codon could potentially rescue the translation initiation.

Literature cited by the submitters: PubMed 25589632.

NC_000002.11:g.(?_179552838)_(179669369_?)del

Gene: TTN (titin; minus strand). Cytogenetic location: 2q31.2.
Variant type: Deletion.
Identifiers: ClinVar variation 1062483 (VCV001062483.3).